The following is an entry in ClinVar:

ClinVar aggregate classification (germline): Uncertain significance (1 of 4 stars; one submission).

Conditions:
Neuropathy, hereditary sensory and autonomic, type 2A (HSAN2A). Also called: ACROOSTEOLYSIS, GIACCAI TYPE; ACROOSTEOLYSIS, NEUROGENIC; MORVAN DISEASE; NEUROPATHY, CONGENITAL SENSORY; NEUROPATHY, HEREDITARY SENSORY RADICULAR, AUTOSOMAL RECESSIVE; NEUROPATHY, HEREDITARY SENSORY, TYPE IIA. Identifiers: Orphanet 970, MedGen C2752089, MONDO:0024309, OMIM 201300.
Pseudohypoaldosteronism type 2C (PHA2C). Also called: Pseudohypoaldosteronism Type IIC. Identifiers: Orphanet 757, Orphanet 88940, MedGen C1840391, MONDO:0013778, OMIM 614492.

Submission:

Labcorp Genetics (formerly Invitae), Labcorp
Classification: Uncertain significance for Neuropathy, hereditary sensory and autonomic, type 2A; Pseudohypoaldosteronism type 2C. Last evaluated: 2022-03-13. Review status: criteria provided, single submitter. Criteria: Invitae Variant Classification Sherloc (09022015). Collection method: clinical testing. Allele origin: germline.
Comment: In summary, the available evidence is currently insufficient to determine the role of this variant in disease. Therefore, it has been classified as a Variant of Uncertain Significance. Advanced modeling of protein sequence and biophysical properties (such as structural, functional, and spatial information, amino acid conservation, physicochemical variation, residue mobility, and thermodynamic stability) performed at Invitae indicates that this missense variant is not expected to disrupt WNK1 protein function. This variant has not been reported in the literature in individuals affected with WNK1-related conditions. This variant is not present in population databases (gnomAD no frequency). This sequence change replaces serine, which is neutral and polar, with threonine, which is neutral and polar, at codon 2312 of the WNK1 protein (p.Ser2312Thr).

NM_018979.4(WNK1):c.6179G>C (p.Ser2060Thr)

Gene: WNK1 (WNK lysine deficient protein kinase 1; plus strand). Cytogenetic location: 12p13.33.
Variant type: single nucleotide variant.
Coding change: c.6179G>C on transcript NM_018979.4 (MANE Select); coding-DNA position 6179, G replaced by C.
Protein change: p.Ser2060Thr; replaces serine 2060 with threonine.
Molecular consequence: missense variant.
Genome position (GRCh38, 1-based): chr12:896,666, G>C. VCF-style: chr12-896666-G-C. GRCh37 (hg19) VCF-style: chr12-1005832-G-C.
Other names: c.6959G>C, p.Ser2320Thr (NM_001184985.2); c.5435G>C, p.Ser1812Thr (NM_014823.3); c.6935G>C, p.Ser2312Thr (NM_213655.5); short protein forms S2320T, S1812T, S2060T, S2312T.
Identifiers: ClinVar variation 2110713 (VCV002110713.4), dbSNP rs2497558282, ClinGen allele CA383336849.